The following is an entry in ClinVar:

NM_003748.4(ALDH4A1):c.584C>T (p.Thr195Met)

Gene: ALDH4A1 (aldehyde dehydrogenase 4 family member A1; minus strand). Cytogenetic location: 1p36.13.
Variant type: single nucleotide variant.
Coding change: c.584C>T on transcript NM_003748.4 (MANE Select); coding-DNA position 584, C replaced by T.
Protein change: p.Thr195Met; replaces threonine 195 with methionine.
Molecular consequence: missense variant.
Genome position (GRCh38, 1-based): chr1:18,883,298, G>A on the plus strand (C>T on the coding strand, the complement: ALDH4A1 is on the minus strand). VCF-style: chr1-18883298-G-A. GRCh37 (hg19) VCF-style: chr1-19209792-G-A.
Other names: c.404C>T, p.Thr135Met (NM_001161504.2); c.584C>T, p.Thr195Met (NM_001319218.2, NM_170726.3); short protein forms T195M, T135M.
Identifiers: ClinVar variation 294386 (VCV000294386.15), dbSNP rs72936434, ClinGen allele CA647319.

ClinVar aggregate classification (germline): Benign/Likely benign. Review status: criteria provided, multiple submitters, no conflicts (2 of 4 stars). 3 submissions from 3 submitters: Benign (1); Likely benign (2). Last evaluated 2026-02-02.

Conditions:
Hyperprolinemia type 2 (HYRPRO2). Also called: 1-PYRROLINE-5-CARBOXYLATE DEHYDROGENASE DEFICIENCY; Deficiency of pyrroline-5-carboxylate reductase; Delta-1-pyrroline-5-carboxylate dehydrogenase deficiency. Identifiers: Orphanet 79101, MedGen C2931835, MONDO:0009401, OMIM 239510.

Allele frequency attached by ClinVar (database versions not stated): gnomAD exomes 0.00261; ExAC 0.00310; gnomAD 0.00947 and 0.00992; TOPMed 0.01000; ESP Exome Variant Server 0.01123; 1000 Genomes Project 0.01458; 1000 Genomes Project 30x 0.01483.
gnomAD v4.1: 2,820 of 1,613,258 alleles (0.17%); highest among the groups gnomAD compares: African/African-American, 3.2%; 41 homozygotes.

Submissions (3):

Labcorp Genetics (formerly Invitae), Labcorp
Classification: Benign for Hyperprolinemia type 2. Last evaluated: 2026-02-02. Review status: criteria provided, single submitter. Criteria: Invitae Variant Classification Sherloc (09022015). Collection method: clinical testing. Allele origin: germline.

Illumina Laboratory Services, Illumina
Classification: Likely benign for Hyperprolinemia type 2. Last evaluated: 2018-01-13. Review status: criteria provided, single submitter. Criteria: ICSL Variant Classification Criteria 13 December 2019. Collection method: clinical testing. Allele origin: germline.
Comment: This variant was observed in the ICSL laboratory as part of a predisposition screen in an ostensibly healthy population. It had not been previously curated by ICSL or reported in the Human Gene Mutation Database (HGMD: prior to June 1st, 2018), and was therefore a candidate for classification through an automated scoring system. Utilizing variant allele frequency, disease prevalence and penetrance estimates, and inheritance mode, an automated score was calculated to assess if this variant is too frequent to cause the disease. Based on the score and internal cut-off values, a variant classified as likely benign is not then subjected to further curation. The score for this variant resulted in a classification of likely benign for this disease.

Breakthrough Genomics
Classification: Likely benign. Review status: criteria provided, single submitter. Criteria: ACMG Guidelines, 2015. Collection method: not provided. Allele origin: germline. Inheritance: Autosomal recessive inheritance. Affected: yes.